The following is an entry in ClinVar:

NM_000217.3(KCNA1):c.1237T>G (p.Tyr413Asp)

Gene: KCNA1 (potassium voltage-gated channel subfamily A member 1; plus strand). Cytogenetic location: 12p13.32.
Variant type: single nucleotide variant.
Coding change: c.1237T>G on transcript NM_000217.3 (MANE Select); coding-DNA position 1237, T replaced by G.
Protein change: p.Tyr413Asp; replaces tyrosine 413 with aspartic acid.
Molecular consequence: missense variant.
Genome position (GRCh38, 1-based): chr12:4,912,615, T>G. VCF-style: chr12-4912615-T-G. GRCh37 (hg19) VCF-style: chr12-5021781-T-G.
Other names: short protein forms Y413D.
Identifiers: ClinVar variation 4882855 (VCV004882855.2).
Genomic context (GRCh38, chr12:4,912,615, plus strand): 5'-GCCATCGCTGGTGTGCTAACAATTGCCCTGCCCGTACCTGTCATTGTGTCCAATTTCAAC[T>G]ATTTCTACCACCGAGAAACTGAGGGGGAAGAGCAGGCTCAGTTGCTCCACGTCAGTTCCC-3'
Protein context (NP_000208.2, residues 403-423): PVPVIVSNFN[Tyr413Asp]FYHRETEGEE

ClinVar aggregate classification (germline): Uncertain significance (1 of 4 stars; one submission).

Conditions:
Episodic ataxia type 1 (EA1). Also called: Episodic ataxia/myokymia syndrome; ATAXIA, EPISODIC, WITH MYOKYMIA; MYOKYMIA WITH PERIODIC ATAXIA; PAROXYSMAL ATAXIA WITH NEUROMYOTONIA, HEREDITARY. Identifiers: Orphanet 37612, Orphanet 972, MedGen C1719788, MONDO:0008047, OMIM 160120.

Submission:

Dasa
Classification: Uncertain significance for Episodic ataxia type 1. Last evaluated: 2025-11-23. Review status: criteria provided, single submitter. Criteria: DASA Assertion Criteria. Collection method: clinical testing. Allele origin: germline.
Comment: NM_000217.3(KCNA1):c.1237T>G (p.Tyr413Asp) is a missense variant that results in the substitution of tyrosine with aspartic acid. This variant is absent from population databases. Computational prediction algorithms are consistent with a deleterious effect. The currently available literature and clinical evidence are not sufficient to establish a definitive association between this variant and the reported condition. Therefore, this variant is classified as a variant of uncertain significance.